The following is an entry in ClinVar:

NM_138927.4(SON):c.4292T>C (p.Met1431Thr)

Gene: SON (SON DNA and RNA binding protein; plus strand). Cytogenetic location: 21q22.11.
Variant type: single nucleotide variant.
Coding change: c.4292T>C on transcript NM_138927.4 (MANE Select); coding-DNA position 4292, T replaced by C.
Protein change: p.Met1431Thr; replaces methionine 1431 with threonine.
Molecular consequence: missense variant. On other transcripts: non-coding transcript variant (1), intron variant (1).
Genome position (GRCh38, 1-based): chr21:33,553,523, T>C. VCF-style: chr21-33553523-T-C. GRCh37 (hg19) VCF-style: chr21-34925829-T-C.
Other names: c.4292T>C, p.Met1431Thr (NM_001291411.2, NM_032195.3); c.245-3633T>C (NM_001291412.3); short protein forms M1431T.
Identifiers: ClinVar variation 3629523 (VCV003629523.2).

ClinVar aggregate classification (germline): Uncertain significance (1 of 4 stars; one submission).

Submission:

Women's Health and Genetics/Laboratory Corporation of America, LabCorp
Classification: Uncertain significance. Last evaluated: 2024-11-29. Review status: criteria provided, single submitter. Criteria: LabCorp Variant Classification Summary - May 2015. Collection method: clinical testing. Allele origin: germline.
Comment: Variant summary: SON c.4292T>C (p.Met1431Thr) results in a non-conservative amino acid change in the encoded protein sequence. Three of five in-silico tools predict a benign effect of the variant on protein function. The variant was absent in 251488 control chromosomes (gnomAD V4/V2). To our knowledge, no experimental evidence demonstrating an impact on protein function has been reported. No submitters have cited clinical-significance assessments for this variant to ClinVar. Based on the evidence outlined above, the variant was classified as VUS-possibly pathogenic.